The following is an entry in ClinVar:

NC_000006.11:g.(?_35420323)_(35424150_?)dup

Gene: FANCE (FA complementation group E; plus strand). Cytogenetic location: 6p21.31.
Variant type: Duplication.
Identifiers: ClinVar variation 2426688 (VCV002426688.3).

ClinVar aggregate classification (germline): Uncertain significance (1 of 4 stars; one submission).

Conditions:
Fanconi anemia complementation group E (FANCE). Also called: FANCE-Related Fanconi Anemia. Identifiers: Orphanet 84, MedGen C3160739, MONDO:0010953, OMIM 600901.

Submission:

Labcorp Genetics (formerly Invitae), Labcorp
Classification: Uncertain significance for Fanconi anemia complementation group E. Last evaluated: 2022-06-30. Review status: criteria provided, single submitter. Criteria: Invitae Variant Classification Sherloc (09022015). Collection method: clinical testing. Allele origin: germline.
Comment: This variant results in a copy number gain of the genomic region encompassing exon(s) 1-2 of the FANCE gene. This region includes the initiator codon of the gene. This copy number gain extends beyond the assayed region for this gene and therefore may encompass additional genes. As the precise location of this event is unknown, it may be in tandem or it may be located elsewhere in the genome. This variant has not been reported in the literature in individuals affected with FANCE-related conditions. In summary, the available evidence is currently insufficient to determine the role of this variant in disease. Therefore, it has been classified as a Variant of Uncertain Significance.